The following is an entry in ClinVar:

ClinVar aggregate classification (germline): Pathogenic. Review status: criteria provided, multiple submitters, no conflicts (2 of 4 stars). 5 submissions from 5 submitters: Pathogenic (4). 1 of the submissions does not count toward it. Last evaluated 2024-06-14.

Conditions:
Autosomal recessive limb-girdle muscular dystrophy type 2K. Also called: MUSCULAR DYSTROPHY-DYSTROGLYCANOPATHY (LIMB-GIRDLE), TYPE C, 1; MUSCULAR DYSTROPHY, LIMB-GIRDLE, TYPE 2K. Identifiers: Orphanet 86812, MedGen C1836373, MONDO:0012248, OMIM 609308.
Muscular dystrophy-dystroglycanopathy (congenital with impaired intellectual development), type B, 1. Also called: MUSCULAR DYSTROPHY, CONGENITAL, POMT1-RELATED; Muscular dystrophy-dystroglycanopathy (congenital with intellectual disability), type B1. Identifiers: MedGen C5436962, MONDO:0013159, OMIM 613155.
Walker-Warburg congenital muscular dystrophy. Also called: Muscular dystrophy-dystroglycanopathy, type A; Walker-Warburg syndrome. Identifiers: Orphanet 899, MedGen C0265221, MONDO:0000171.
Muscular dystrophy-dystroglycanopathy (congenital with brain and eye anomalies), type A1 (MDDGA1). Also called: Muscular dystrophy-dystroglycanopathy (congenital with brain and eye anomalies), type A, 1; Hydrocephalus, agyria and retinal dysplasia; Hard +/- E syndrome; Warburg syndrome; Chemke syndrome; Pagon syndrome. Identifiers: Orphanet 588, Orphanet 899, MedGen C4284790, MONDO:0009364, OMIM 236670.

Allele frequency attached by ClinVar (database versions not stated): gnomAD exomes 0.00001; gnomAD 0.00001; TOPMed 0.00001.
gnomAD v4.1: 5 of 1,613,416 alleles (0.00031%); highest among the groups gnomAD compares: East Asian, 0.0022%; no homozygotes.

Submissions (5):

Fulgent Genetics
Classification: Pathogenic for Muscular dystrophy-dystroglycanopathy (congenital with brain and eye anomalies), type A1; Autosomal recessive limb-girdle muscular dystrophy type 2K; Muscular dystrophy-dystroglycanopathy (congenital with impaired intellectual development), type B, 1. Last evaluated: 2024-06-14. Review status: criteria provided, single submitter. Criteria: ACMG Guidelines, 2015. Collection method: clinical testing. Allele origin: germline.

Labcorp Genetics (formerly Invitae), Labcorp
Classification: Pathogenic for Muscular dystrophy-dystroglycanopathy (congenital with impaired intellectual development), type B, 1; Walker-Warburg congenital muscular dystrophy; Autosomal recessive limb-girdle muscular dystrophy type 2K. Last evaluated: 2024-02-24. Review status: criteria provided, single submitter. Criteria: Invitae Variant Classification Sherloc (09022015). Collection method: clinical testing. Allele origin: germline.
Comment: This sequence change creates a premature translational stop signal (p.Arg514*) in the POMT1 gene. It is expected to result in an absent or disrupted protein product. Loss-of-function variants in POMT1 are known to be pathogenic (PMID: 12369018, 15637732, 16575835). This variant is not present in population databases (gnomAD no frequency). This premature translational stop signal has been observed in individuals with muscular dystrophy-dystroglycanopathy (PMID: 16717220, 31311558). This variant is also known as p.Arg541*. ClinVar contains an entry for this variant (Variation ID: 3245). Algorithms developed to predict the effect of sequence changes on RNA splicing suggest that this variant may disrupt the consensus splice site. For these reasons, this variant has been classified as Pathogenic.

GeneDx
Classification: Pathogenic. Last evaluated: 2023-12-29. Review status: criteria provided, single submitter. Criteria: GeneDx Variant Classification Process June 2021. Collection method: clinical testing. Allele origin: germline. Affected: yes.
Comment: Identified in unrelated individuals with POMT1-related dystroglycanopathy in published literature (PMID: 16717220, 16575835); Nonsense variant predicted to result in protein truncation or nonsense mediated decay in a gene for which loss of function is a known mechanism of disease; Not observed at significant frequency in large population cohorts (gnomAD); This variant is associated with the following publications: (PMID: 25525159, 16717220, 16575835, 31311558, 34426522, 21928031, 30454682, 17161965)

Eurofins Ntd Llc (ga)
Classification: Pathogenic. Last evaluated: 2014-03-20. Review status: criteria provided, single submitter. Criteria: EGL Classification Definitions. Collection method: clinical testing. Allele origin: germline. Observed: 1 variant allele, 1 homozygote.

OMIM
Classification: Pathogenic for MUSCULAR DYSTROPHY-DYSTROGLYCANOPATHY (CONGENITAL WITH IMPAIRED INTELLECTUAL DEVELOPMENT), TYPE B, 1. Last evaluated: 2006-05-01. Review status: no assertion criteria provided. Collection method: literature only. Allele origin: germline. Not counted in ClinVar's aggregate classification.

Literature cited by the submitters: PubMed 12369018 (cited by Labcorp Genetics (formerly Invitae), Labcorp); PubMed 15637732 (cited by Labcorp Genetics (formerly Invitae), Labcorp); PubMed 16575835 (cited by Labcorp Genetics (formerly Invitae), Labcorp and OMIM); PubMed 16717220 (cited by Labcorp Genetics (formerly Invitae), Labcorp); PubMed 31311558 (cited by Labcorp Genetics (formerly Invitae), Labcorp); PubMed 11053679 (cited by OMIM).

NM_001077365.2(POMT1):c.1474C>T (p.Arg492Ter)

Gene: POMT1 (protein O-mannosyltransferase 1; plus strand). Cytogenetic location: 9q34.13.
Variant type: single nucleotide variant.
Coding change: c.1474C>T on transcript NM_001077365.2 (MANE Select); coding-DNA position 1474, C replaced by T.
Protein change: p.Arg492Ter; replaces arginine 492 with a stop codon.
Molecular consequence: nonsense. On other transcripts: non-coding transcript variant (10), intron variant (1).
Genome position (GRCh38, 1-based): chr9:131,518,945, C>T. VCF-style: chr9-131518945-C-T. GRCh37 (hg19) VCF-style: chr9-134394332-C-T.
Other names: R541*; c.1312C>T, p.Arg438Ter (NM_001077366.2, NM_001353194.2); c.1474C>T, p.Arg492Ter (NM_001136113.2); c.1123C>T, p.Arg375Ter (NM_001136114.2, NM_001353195.2, NM_001374691.1 and 2 more transcripts); c.1540C>T, p.Arg514Ter (NM_001353193.2, NM_007171.4); c.1384C>T, p.Arg462Ter (NM_001353196.2); c.1378C>T, p.Arg460Ter (NM_001353197.2, NM_001353198.2); c.1189C>T, p.Arg397Ter (NM_001353199.2); and 5 more; short protein forms R514*, R340*, R397*, R375*, R438*, R492*, R460*, R462*.
Identifiers: ClinVar variation 3245 (VCV000003245.19), dbSNP rs119462985, ClinGen allele CA116110.